The following is an entry in ClinVar:

ClinVar aggregate classification (germline): Uncertain significance. Review status: criteria provided, multiple submitters, no conflicts (2 of 4 stars). 3 submissions from 3 submitters: Uncertain significance (3). Last evaluated 2025-09-22.

Conditions:
Inborn genetic diseases. Identifiers: MedGen C0950123, MeSH D030342.

Allele frequency attached by ClinVar (database versions not stated): gnomAD 0.00001; TOPMed 0.00001.
gnomAD v4.1: 4 of 1,609,050 alleles (0.00025%); highest among the groups gnomAD compares: Admixed American, 0.0067%; no homozygotes.

Submissions (3):

Ambry Genetics
Classification: Uncertain significance for Inborn genetic diseases. Last evaluated: 2025-09-22. Review status: criteria provided, single submitter. Criteria: Ambry Variant Classification Scheme 2023. Collection method: clinical testing. Allele origin: germline.

GeneDx
Classification: Uncertain significance. Last evaluated: 2025-04-14. Review status: criteria provided, single submitter. Criteria: GeneDx Variant Classification Process June 2021. Collection method: clinical testing. Allele origin: germline. Affected: yes.
Comment: Not observed at significant frequency in large population cohorts (gnomAD); In silico analysis supports that this missense variant has a deleterious effect on protein structure/function; Has not been previously published as pathogenic or benign to our knowledge

Labcorp Genetics (formerly Invitae), Labcorp
Classification: Uncertain significance. Last evaluated: 2022-07-19. Review status: criteria provided, single submitter. Criteria: Invitae Variant Classification Sherloc (09022015). Collection method: clinical testing. Allele origin: germline.
Comment: In summary, the available evidence is currently insufficient to determine the role of this variant in disease. Therefore, it has been classified as a Variant of Uncertain Significance. Algorithms developed to predict the effect of missense changes on protein structure and function are either unavailable or do not agree on the potential impact of this missense change (SIFT: "Deleterious"; PolyPhen-2: "Probably Damaging"; Align-GVGD: "Class C15"). This variant has not been reported in the literature in individuals affected with NDUFS1-related conditions. This variant is not present in population databases (gnomAD no frequency). This sequence change replaces phenylalanine, which is neutral and non-polar, with leucine, which is neutral and non-polar, at codon 292 of the NDUFS1 protein (p.Phe292Leu).

NM_005006.7(NDUFS1):c.876T>G (p.Phe292Leu)

Gene: NDUFS1 (NADH:ubiquinone oxidoreductase core subunit S1; minus strand). Cytogenetic location: 2q33.3.
Variant type: single nucleotide variant.
Coding change: c.876T>G on transcript NM_005006.7 (MANE Select); coding-DNA position 876, T replaced by G.
Protein change: p.Phe292Leu; replaces phenylalanine 292 with leucine.
Molecular consequence: missense variant.
Genome position (GRCh38, 1-based): chr2:206,144,129, A>C on the plus strand (T>G on the coding strand, the complement: NDUFS1 is on the minus strand). VCF-style: chr2-206144129-A-C. GRCh37 (hg19) VCF-style: chr2-207008853-A-C.
Other names: c.768T>G, p.Phe256Leu (NM_001199981.2); c.543T>G, p.Phe181Leu (NM_001199982.2); c.705T>G, p.Phe235Leu (NM_001199983.2); c.918T>G, p.Phe306Leu (NM_001199984.2); c.876T>G (NM_005006.5); short protein forms F292L, F235L, F181L, F306L, F256L.
Identifiers: ClinVar variation 1979126 (VCV001979126.7), dbSNP rs761372572, ClinGen allele CA350055951.